The following is an entry in ClinVar:

NM_001042492.3(NF1):c.8222C>T (p.Thr2741Met)

Gene: NF1 (neurofibromin 1; plus strand). Cytogenetic location: 17q11.2.
Variant type: single nucleotide variant.
Coding change: c.8222C>T on transcript NM_001042492.3 (MANE Select); coding-DNA position 8222, C replaced by T.
Protein change: p.Thr2741Met; replaces threonine 2741 with methionine.
Molecular consequence: missense variant.
Genome position (GRCh38, 1-based): chr17:31,360,548, C>T. VCF-style: chr17-31360548-C-T. GRCh37 (hg19) VCF-style: chr17-29687566-C-T.
Other names: c.8159C>T, p.Thr2720Met (NM_000267.4); short protein forms T2720M, T2741M.
Identifiers: ClinVar variation 216414 (VCV000216414.54), dbSNP rs144178015, ClinGen allele CA338462.

ClinVar aggregate classification (germline): Conflicting classifications of pathogenicity. Review status: criteria provided, conflicting classifications (1 of 4 stars). 6 submissions from 6 submitters: Uncertain significance (5); Likely benign (1). Last evaluated 2025-10-12.

Conditions:
Cardiovascular phenotype. Identifiers: MedGen CN230736.
Hereditary cancer-predisposing syndrome. Also called: Tumor predisposition; Neoplastic Syndromes, Hereditary; Hereditary Cancer Syndrome; Hereditary neoplastic syndrome. Identifiers: Orphanet 140162, MedGen C0027672, MeSH D009386, MONDO:0015356.
Neurofibromatosis, type 1 (NF1). Also called: NEUROFIBROMATOSIS, TYPE I, SOMATIC; Peripheral type neurofibromatosis; Neurofibromatosis, type I; VON RECKLINGHAUSEN DISEASE. Identifiers: Orphanet 636, MedGen C0027831, MONDO:0018975, OMIM 162200. Disease mechanism: loss of function.
Juvenile myelomonocytic leukemia (JMML). Also called: LEUKEMIA, JUVENILE MYELOMONOCYTIC, SOMATIC. Identifiers: Orphanet 86834, MedGen C0349639, MONDO:0011908, OMIM 607785, HP:0012209.

Allele frequency attached by ClinVar (database versions not stated): gnomAD exomes below 0.00001 and 0.00001; ExAC 0.00001; TOPMed 0.00001; ESP Exome Variant Server 0.00008.

Submissions (6):

Labcorp Genetics (formerly Invitae), Labcorp
Classification: Likely benign for Neurofibromatosis, type 1. Last evaluated: 2025-10-12. Review status: criteria provided, single submitter. Criteria: Invitae Variant Classification Sherloc (09022015). Collection method: clinical testing. Allele origin: germline.

Quest Diagnostics Nichols Institute San Juan Capistrano
Classification: Uncertain significance. Last evaluated: 2024-01-17. Review status: criteria provided, single submitter. Criteria: Quest Diagnostics criteria. Collection method: clinical testing. Allele origin: unknown.

Genome-Nilou Lab
Classification: Uncertain significance for Neurofibromatosis, type 1. Last evaluated: 2022-03-15. Review status: criteria provided, single submitter. Criteria: ACMG Guidelines, 2015. Collection method: clinical testing. Allele origin: germline. Affected: no.

Ambry Genetics
Classification: Uncertain significance for Cardiovascular phenotype; Hereditary cancer-predisposing syndrome. Last evaluated: 2021-03-19. Review status: criteria provided, single submitter. Criteria: Ambry Variant Classification Scheme 2023. Collection method: clinical testing. Allele origin: germline.

Baylor Genetics
Classification: Uncertain significance for Juvenile myelomonocytic leukemia. Last evaluated: 2019-11-08. Review status: criteria provided, single submitter. Criteria: ACMG Guidelines, 2015. Collection method: clinical testing. Allele origin: maternal. Affected: yes. Study: CSER-TexasKidsCanSeq.
Comment: This variant was determined to be of uncertain significance according to ACMG Guidelines, 2015 [PMID:25741868].

CeGaT Center for Human Genetics Tuebingen
Classification: Uncertain significance. Last evaluated: 2019-02-01. Review status: criteria provided, single submitter. Criteria: CeGaT Center For Human Genetics Tuebingen Variant Classification Criteria Version 2. Collection method: clinical testing. Allele origin: germline. Affected: yes. Observed: 1 variant allele.

Literature cited by the submitters: PubMed 33471991 (cited by Quest Diagnostics Nichols Institute San Juan Capistrano); PubMed 37507557 (cited by Quest Diagnostics Nichols Institute San Juan Capistrano).